The following is an entry in ClinVar:

ClinVar aggregate classification (germline): Uncertain significance (1 of 4 stars; one submission).

Allele frequency attached by ClinVar (database versions not stated): gnomAD exomes below 0.00001; gnomAD 0.00001.

Submission:

Labcorp Genetics (formerly Invitae), Labcorp
Classification: Uncertain significance. Last evaluated: 2023-02-16. Review status: criteria provided, single submitter. Criteria: Invitae Variant Classification Sherloc (09022015). Collection method: clinical testing. Allele origin: germline.
Comment: In summary, the available evidence is currently insufficient to determine the role of this variant in disease. Therefore, it has been classified as a Variant of Uncertain Significance. Advanced modeling of protein sequence and biophysical properties (such as structural, functional, and spatial information, amino acid conservation, physicochemical variation, residue mobility, and thermodynamic stability) performed at Invitae indicates that this missense variant is not expected to disrupt MYH3 protein function. This variant has not been reported in the literature in individuals affected with MYH3-related conditions. This variant is present in population databases (no rsID available, gnomAD 0.008%). This sequence change replaces histidine, which is basic and polar, with tyrosine, which is neutral and polar, at codon 96 of the MYH3 protein (p.His96Tyr).

NM_002470.4(MYH3):c.286C>T (p.His96Tyr)

Gene: MYH3 (myosin heavy chain 3; minus strand). Cytogenetic location: 17p13.1.
Variant type: single nucleotide variant.
Coding change: c.286C>T on transcript NM_002470.4 (MANE Select); coding-DNA position 286, C replaced by T.
Protein change: p.His96Tyr; replaces histidine 96 with tyrosine.
Molecular consequence: missense variant.
Genome position (GRCh38, 1-based): chr17:10,652,482, G>A on the plus strand (C>T on the coding strand, the complement: MYH3 is on the minus strand). VCF-style: chr17-10652482-G-A. GRCh37 (hg19) VCF-style: chr17-10555799-G-A.
Other names: short protein forms H96Y.
Identifiers: ClinVar variation 2806480 (VCV002806480.3), dbSNP rs1192153940, ClinGen allele CA398116743.